The following is an entry in ClinVar:

ClinVar aggregate classification (germline): Uncertain significance (1 of 4 stars; one submission).

Conditions:
POLG-related disorder. Also called: POLG-related condition; POLG-Related Disorders; POLG-Related Spectrum Disorders. Identifiers: MedGen C4763519.

gnomAD v4.1: 4 of 1,612,112 alleles (0.00025%); highest among the groups gnomAD compares: South Asian, 0.0044%; no homozygotes.

Submission:

PreventionGenetics, part of Exact Sciences
Classification: Uncertain significance for POLG-related condition. Last evaluated: 2025-09-17. Review status: criteria provided, single submitter. Criteria: ACMG Guidelines, 2015. Collection method: clinical testing. Allele origin: germline.
Comment: The POLG c.284C>G variant is predicted to result in the amino acid substitution p.Pro95Arg. To our knowledge, this variant has not been reported in the literature. This variant is reported in 0.0065% of alleles in individuals of South Asian descent in gnomAD. At this time, the clinical significance of this variant is uncertain due to the absence of conclusive functional and genetic evidence.

NM_002693.3(POLG):c.284C>G (p.Pro95Arg)

Genes: POLG (DNA polymerase gamma, catalytic subunit; minus strand), POLGARF (POLG alternative reading frame; minus strand). Cytogenetic location: 15q26.1.
Variant type: single nucleotide variant.
Coding change: c.284C>G on transcript NM_002693.3 (MANE Select); coding-DNA position 284, C replaced by G.
Protein change: p.Pro95Arg; replaces proline 95 with arginine.
Molecular consequence: missense variant. On other transcripts: synonymous variant (1).
Genome position (GRCh38, 1-based): chr15:89,333,471, G>C on the plus strand (C>G on the coding strand, the complement: POLG is on the minus strand). VCF-style: chr15-89333471-G-C. GRCh37 (hg19) VCF-style: chr15-89876702-G-C.
Other names: c.339C>G, p.Ala113= (NM_001430120.1); c.284C>G, p.Pro95Arg (NM_001126131.2); short protein forms P95R.
Identifiers: ClinVar variation 4994329 (VCV004994329.1).